The following is an entry in ClinVar:

NM_005257.6(GATA6):c.969CCA[6] (p.His330_His333del)

Gene: GATA6 (GATA binding protein 6; plus strand). Cytogenetic location: 18q11.2.
Variant type: Microsatellite.
Coding change: c.969CCA[6] on transcript NM_005257.6 (MANE Select); six copies in a row of the 3-base unit CCA starting at c.969; the reference has ten copies in a row; four copies, 12 bases deleted.
Protein change: p.His330_His333del.
Molecular consequence: inframe deletion.
Genome position (GRCh38, 1-based): chr18:22,172,131-22,172,142, CCACCACCACCA deleted; deleting any 12 consecutive bases within chr18:22,172,112-22,172,142 gives the same sequence; the position shown is the placement nearest the transcript's 3' end. VCF-style (leftmost placement, unchanged base first): chr18-22172111-TACCACCACCACC-T. GRCh37 (hg19) VCF-style: chr18-19752072-TACCACCACCACC-T.
Other names: c.987_998delCCACCACCACCA (NM_005257.5).
Identifiers: ClinVar variation 655336 (VCV000655336.9), dbSNP rs562588574, ClinGen allele CA628980385.

ClinVar aggregate classification (germline): Conflicting classifications of pathogenicity. Review status: criteria provided, conflicting classifications (1 of 4 stars). 2 submissions from 2 submitters: Uncertain significance (1); Likely benign (1). Last evaluated 2025-12-23.

Conditions:
Atrioventricular septal defect 5 (AVSD5). Identifiers: MedGen C3280939, MONDO:0013769, OMIM 614474.

Submissions (2):

Labcorp Genetics (formerly Invitae), Labcorp
Classification: Uncertain significance for Atrioventricular septal defect 5. Last evaluated: 2025-12-23. Review status: criteria provided, single submitter. Criteria: Invitae Variant Classification Sherloc (09022015). Collection method: clinical testing. Allele origin: germline.
Comment: This variant, c.987_998del, results in the deletion of 4 amino acid(s) of the GATA6 protein (p.His330_His333del), but otherwise preserves the integrity of the reading frame. The frequency data for this variant in the population databases is considered unreliable, as metrics indicate poor data quality at this position in the gnomAD database. This variant has not been reported in the literature in individuals affected with GATA6-related conditions. Experimental studies and prediction algorithms are not available or were not evaluated, and the functional significance of this variant is currently unknown. In summary, the available evidence is currently insufficient to determine the role of this variant in disease. Therefore, it has been classified as a Variant of Uncertain Significance.

Blueprint Genetics
Classification: Likely benign. Last evaluated: 2024-04-08. Review status: criteria provided, single submitter. Criteria: ACMG Guidelines, 2015. Collection method: clinical testing. Allele origin: germline.